The following is an entry in ClinVar:

ClinVar aggregate classification (germline): Uncertain significance (1 of 4 stars; one submission).

Conditions:
Familial thoracic aortic aneurysm and aortic dissection (TAAD). Also called: Thoracic aortic aneurysms and dissections. Identifiers: Orphanet 91387, MedGen C4707243, MONDO:0019625.

gnomAD v4.1: 4 of 1,612,026 alleles (0.00025%); highest among the groups gnomAD compares: Non-Finnish European, 0.00034%; no homozygotes.

Submission:

Labcorp Genetics (formerly Invitae), Labcorp
Classification: Uncertain significance for Familial thoracic aortic aneurysm and aortic dissection. Last evaluated: 2020-04-21. Review status: criteria provided, single submitter. Criteria: Invitae Variant Classification Sherloc (09022015). Collection method: clinical testing. Allele origin: germline.
Comment: This sequence change replaces isoleucine with methionine at codon 370 of the MAT2A protein (p.Ile370Met). The isoleucine residue is moderately conserved and there is a small physicochemical difference between isoleucine and methionine. In summary, the available evidence is currently insufficient to determine the role of this variant in disease. Therefore, it has been classified as a Variant of Uncertain Significance. Algorithms developed to predict the effect of missense changes on protein structure and function are either unavailable or do not agree on the potential impact of this missense change (SIFT: "Deleterious"; PolyPhen-2: "Benign"; Align-GVGD: "Class C0"). This variant has not been reported in the literature in individuals with MAT2A-related conditions. This variant is not present in population databases (ExAC no frequency).

NM_005911.6(MAT2A):c.1110T>G (p.Ile370Met)

Genes: GGCX (gamma-glutamyl carboxylase; minus strand), MAT2A (methionine adenosyltransferase 2A; plus strand). Cytogenetic location: 2p11.2.
Variant type: single nucleotide variant.
Coding change: c.1110T>G on transcript NM_005911.6 (MANE Select); coding-DNA position 1110, T replaced by G.
Protein change: p.Ile370Met; replaces isoleucine 370 with methionine.
Molecular consequence: missense variant.
Genome position (GRCh38, 1-based): chr2:85,543,694, T>G. VCF-style: chr2-85543694-T-G. GRCh37 (hg19) VCF-style: chr2-85770817-T-G.
Other names: short protein forms I370M.
Identifiers: ClinVar variation 1018455 (VCV001018455.8), dbSNP rs141157197, ClinGen allele CA347478934.